The following is an entry in ClinVar:

ClinVar aggregate classification (germline): Uncertain significance. Review status: criteria provided, multiple submitters, no conflicts (2 of 4 stars). 2 submissions from 2 submitters: Uncertain significance (2). Last evaluated 2023-10-16.

Conditions:
Primary familial hypertrophic cardiomyopathy (HCM). Identifiers: Orphanet 99739, MedGen C0949658, MeSH D024741, MONDO:0024573. Inheritance: Various modes of inheritance.

Allele frequency attached by ClinVar (database versions not stated): gnomAD exomes 0.00001; gnomAD 0.00002; TOPMed 0.00002.
gnomAD v4.1: 17 of 1,613,696 alleles (0.0011%); highest among the groups gnomAD compares: Non-Finnish European, 0.0014%; no homozygotes.

Submissions (2):

Labcorp Genetics (formerly Invitae), Labcorp
Classification: Uncertain significance for Primary familial hypertrophic cardiomyopathy. Last evaluated: 2023-10-16. Review status: criteria provided, single submitter. Criteria: Invitae Variant Classification Sherloc (09022015). Collection method: clinical testing. Allele origin: germline.
Comment: This sequence change replaces serine, which is neutral and polar, with alanine, which is neutral and non-polar, at codon 204 of the ILK protein (p.Ser204Ala). This variant is present in population databases (no rsID available, gnomAD 0.007%). This variant has not been reported in the literature in individuals affected with ILK-related conditions. ClinVar contains an entry for this variant (Variation ID: 2566095). An algorithm developed to predict the effect of missense changes on protein structure and function (PolyPhen-2) suggests that this variant is likely to be disruptive. In summary, the available evidence is currently insufficient to determine the role of this variant in disease. Therefore, it has been classified as a Variant of Uncertain Significance.

Ambry Genetics
Classification: Uncertain significance. Last evaluated: 2023-03-31. Review status: criteria provided, single submitter. Criteria: Ambry Variant Classification Scheme 2023. Collection method: clinical testing. Allele origin: germline.
Comment: The p.S204A variant (also known as c.610T>G), located in coding exon 6 of the ILK gene, results from a T to G substitution at nucleotide position 610. The serine at codon 204 is replaced by alanine, an amino acid with similar properties. This amino acid position is conserved. In addition, the in silico prediction for this alteration is inconclusive. Since supporting evidence is limited at this time, the clinical significance of this alteration remains unclear.

NM_004517.4(ILK):c.610T>G (p.Ser204Ala)

Genes: TAF10 (TATA-box binding protein associated factor 10; minus strand), ILK (integrin linked kinase; plus strand). Cytogenetic location: 11p15.4.
Variant type: single nucleotide variant.
Coding change: c.610T>G on transcript NM_004517.4 (MANE Select); coding-DNA position 610, T replaced by G.
Protein change: p.Ser204Ala; replaces serine 204 with alanine.
Molecular consequence: missense variant. On other transcripts: 3 prime UTR variant (1), intron variant (1).
Genome position (GRCh38, 1-based): chr11:6,609,148, T>G. VCF-style: chr11-6609148-T-G. GRCh37 (hg19) VCF-style: chr11-6630379-T-G.
Other names: c.610T>G, p.Ser204Ala (NM_001014794.3, NM_001014795.3); c.208T>G, p.Ser70Ala (NM_001278442.2); c.*1774A>C (NM_006284.4); c.436-151T>G (NM_001278441.2); short protein forms S204A, S70A.
Identifiers: ClinVar variation 2566095 (VCV002566095.5), dbSNP rs1196872015, ClinGen allele CA379461099.
Genomic context (GRCh38, chr11:6,609,148, plus strand): 5'-AAACACTCTGGCATTGACTTCAAACAGCTTAACTTCCTGACGAAGCTCAACGAGAATCAC[T>G]CTGGAGAGGTGACCCCTGCCCTTCTTGCCCTTCCCTCACTAAACCCCCATAAATTACTTG-3'
Protein context (NP_004508.1, residues 194-214): NFLTKLNENH[Ser204Ala]GELWKGRWQG